The following is an entry in ClinVar:

ClinVar aggregate classification (germline): Uncertain significance. Review status: criteria provided, multiple submitters, no conflicts (2 of 4 stars). 2 submissions from 2 submitters: Uncertain significance (2). Last evaluated 2019-09-16.

Conditions:
3M syndrome 1. Also called: 3-M Syndrome, CUL7-Related. Identifiers: Orphanet 2616, MedGen C2678312, MONDO:0010117, OMIM 273750.

Submissions (2):

GeneDx
Classification: Uncertain significance. Last evaluated: 2019-09-16. Review status: criteria provided, single submitter. Criteria: GeneDx Variant Classification Process June 2021. Collection method: clinical testing. Allele origin: germline. Affected: yes.
Comment: Has not been previously published as pathogenic or benign to our knowledge; Not observed in large population cohorts (Lek et al., 2016); In silico analysis, which includes protein predictors and evolutionary conservation, supports that this variant does not alter protein structure/function; This variant is associated with the following publications: (PMID: 30919572)

Illumina Laboratory Services, Illumina
Classification: Uncertain significance for 3M syndrome 1. Last evaluated: 2017-04-27. Review status: criteria provided, single submitter. Criteria: ICSL Variant Classification Criteria 13 December 2019. Collection method: clinical testing. Allele origin: germline.

NM_014780.5(CUL7):c.922G>T (p.Val308Leu)

Gene: CUL7 (cullin 7; minus strand). Cytogenetic location: 6p21.1.
Variant type: single nucleotide variant.
Coding change: c.922G>T on transcript NM_014780.5 (MANE Select); coding-DNA position 922, G replaced by T.
Protein change: p.Val308Leu; replaces valine 308 with leucine.
Molecular consequence: missense variant.
Genome position (GRCh38, 1-based): chr6:43,051,279, C>A on the plus strand (G>T on the coding strand, the complement: CUL7 is on the minus strand). VCF-style: chr6-43051279-C-A. GRCh37 (hg19) VCF-style: chr6-43019017-C-A.
Other names: c.1018G>T, p.Val340Leu (NM_001168370.2, NM_001374872.1); c.922G>T, p.Val308Leu (NM_001374873.1, NM_001374874.1); short protein forms V308L, V340L.
Identifiers: ClinVar variation 421728 (VCV000421728.7), dbSNP rs1064795325, ClinGen allele CA16618290.
Genomic context (GRCh38, chr6:43,051,279, plus strand): 5'-CGGGGGACCGTGCTGAGCTCCTTGGTCTGTCTGAGGCCTGGTCCCAGCGCATGGCTTGCA[C>A]CAGCTCCGAGATCAGGGTGCCCATGGCCATACTGAACTCCAGCTCCAGTTGACCCCTCTC-3'
Protein context (NP_055595.2, residues 298-318): MAMGTLISEL[Val308Leu]QAMRWDQASD